The following is an entry in ClinVar:

ClinVar aggregate classification (germline): Uncertain significance (1 of 4 stars; one submission).

Conditions:
Inborn genetic diseases. Identifiers: MedGen C0950123, MeSH D030342.

Submission:

Ambry Genetics
Classification: Uncertain significance for Inborn genetic diseases. Last evaluated: 2020-12-31. Review status: criteria provided, single submitter. Criteria: Ambry Variant Classification Scheme 2023. Collection method: clinical testing. Allele origin: germline.
Comment: The c.4139A>T (p.Y1380F) alteration is located in exon 9 (coding exon 7) of the ANKRD11 gene. This alteration results from a A to T substitution at nucleotide position 4139, causing the tyrosine (Y) at amino acid position 1380 to be replaced by a phenylalanine (F). The p.Y1380F alteration is predicted to be tolerated by in silico analysis. Based on insufficient or conflicting evidence, the clinical significance of this alteration remains unclear.

NM_013275.6(ANKRD11):c.4139A>T (p.Tyr1380Phe)

Gene: ANKRD11 (ankyrin repeat domain containing 11; minus strand). Cytogenetic location: 16q24.3.
Variant type: single nucleotide variant.
Coding change: c.4139A>T on transcript NM_013275.6 (MANE Select); coding-DNA position 4139, A replaced by T.
Protein change: p.Tyr1380Phe; replaces tyrosine 1380 with phenylalanine.
Molecular consequence: missense variant.
Genome position (GRCh38, 1-based): chr16:89,282,403, T>A on the plus strand (A>T on the coding strand, the complement: ANKRD11 is on the minus strand). VCF-style: chr16-89282403-T-A. GRCh37 (hg19) VCF-style: chr16-89348811-T-A.
Other names: c.4139A>T, p.Tyr1380Phe (NM_001256182.2, NM_001256183.2); short protein forms Y1380F.
Identifiers: ClinVar variation 2228556 (VCV002228556.2), dbSNP rs2034333740, ClinGen allele CA397158223.